The following is an entry in ClinVar:

NM_001039213.4(CEACAM16):c.388C>T (p.Leu130=)

Genes: CEACAM16 (CEA cell adhesion molecule 16, tectorial membrane component; plus strand), CEACAM16-AS1 (CEACAM16, CEACAM19 and PVR antisense RNA 1; minus strand). Cytogenetic location: 19q13.32.
Variant type: single nucleotide variant.
Coding change: c.388C>T on transcript NM_001039213.4 (MANE Select); coding-DNA position 388, C replaced by T.
Protein change: p.Leu130=; no amino-acid change (leucine 130 retained).
Molecular consequence: synonymous variant.
Genome position (GRCh38, 1-based): chr19:44,704,023, C>T. VCF-style: chr19-44704023-C-T. GRCh37 (hg19) VCF-style: chr19-45207293-C-T.
Identifiers: ClinVar variation 1309530 (VCV001309530.2), dbSNP rs565350614, ClinGen allele CA9503049.

ClinVar aggregate classification (germline): Uncertain significance (1 of 4 stars; one submission).

Allele frequency attached by ClinVar (database versions not stated): gnomAD 0.00001 and 0.00003; TOPMed 0.00001; gnomAD exomes 0.00002 and 0.00003; ExAC 0.00006; 1000 Genomes Project 30x 0.00031; 1000 Genomes Project 0.00040.

Submission:

GeneDx
Classification: Uncertain significance. Last evaluated: 2019-08-27. Review status: criteria provided, single submitter. Criteria: GeneDx Variant Classification Process June 2021. Collection method: clinical testing. Allele origin: germline. Affected: yes.
Comment: In silico analysis, which includes splice predictors and evolutionary conservation, supports that this variant does not alter protein structure/function; Has not been previously published as pathogenic or benign to our knowledge